The following is an entry in ClinVar:

NM_000059.4(BRCA2):c.1212del (p.Asn404fs)

Gene: BRCA2 (BRCA2 DNA repair associated; plus strand). Cytogenetic location: 13q13.1.
Variant type: Deletion.
Coding change: c.1212del on transcript NM_000059.4 (MANE Select); coding-DNA position 1212, one base deleted (T; older notation c.1212delT).
Protein change: p.Asn404fs; shifts the reading frame from asparagine 404.
Molecular consequence: frameshift variant.
Genome position (GRCh38, 1-based): chr13:32,332,690, T deleted. VCF-style (leftmost placement, unchanged base first): chr13-32332689-AT-A. GRCh37 (hg19) VCF-style: chr13-32906826-AT-A.
Other names: 1440delT; c.1212delT (NM_000059.3).
Identifiers: ClinVar variation 265369 (VCV000265369.7), dbSNP rs886039504, ClinGen allele CA10588560.
Genomic context (GRCh38, chr13:32,332,689, plus strand): 5'-CCAAGGAAGTTGTACCGTCTTTGGCCTGTGAATGGTCTCAACTAACCCTTTCAGGTCTAA[AT>A]GGAGCCCAGATGGAGAAAATACCCCTATTGCATATTTCTTCATGTGACCAAAATATTTCA-3'

ClinVar aggregate classification (germline): Pathogenic. Review status: reviewed by expert panel (3 of 4 stars). 4 submissions from 4 submitters: Pathogenic (1). 3 of the submissions do not count toward it. Last evaluated 2016-10-18.

Conditions:
Hereditary cancer-predisposing syndrome. Also called: Tumor predisposition; Neoplastic Syndromes, Hereditary; Hereditary neoplastic syndrome; Hereditary Cancer Syndrome. Identifiers: Orphanet 140162, MedGen C0027672, MeSH D009386, MONDO:0015356.
Breast-ovarian cancer, familial, susceptibility to, 2 (BROVCA2). Also called: BRCA2 Hereditary Breast and Ovarian Cancer. Identifiers: Orphanet 145, MedGen C2675520, MONDO:0012933, OMIM 612555. Disease mechanism: loss of function.

Submissions (4):

Evidence-based Network for the Interpretation of Germline Mutant Alleles (ENIGMA)
Classification: Pathogenic for Breast-ovarian cancer, familial, susceptibility to, 2. Last evaluated: 2016-10-18. Review status: reviewed by expert panel. Criteria: ENIGMA BRCA1/2 Classification Criteria (2015). Collection method: curation. Allele origin: germline.
Comment: Variant allele predicted to encode a truncated non-functional protein.

Ambry Genetics
Classification: Pathogenic for Hereditary cancer-predisposing syndrome. Last evaluated: 2025-09-29. Review status: criteria provided, single submitter. Criteria: Ambry Variant Classification Scheme 2023. Collection method: clinical testing. Allele origin: germline. Not counted in ClinVar's aggregate classification.
Comment: The c.1212delT pathogenic mutation, located in coding exon 9 of the BRCA2 gene, results from a deletion of one nucleotide at nucleotide position 1212, causing a translational frameshift with a predicted alternate stop codon (p.N404Kfs*26). This variant is considered to be rare based on population cohorts in the Genome Aggregation Database (gnomAD). This alteration is expected to result in loss of function by premature protein truncation or nonsense-mediated mRNA decay. As such, this alteration is interpreted as a disease-causing mutation.

GeneDx
Classification: Pathogenic. Last evaluated: 2016-06-21. Review status: criteria provided, single submitter. Criteria: GeneDx Variant Classification (06012015). Collection method: clinical testing. Allele origin: germline. Affected: yes. Not counted in ClinVar's aggregate classification.
Comment: This deletion of one nucleotide in BRCA2 is denoted c.1212delT at the cDNA level and p.Asn404LysfsX26(N404KfsX26) at the protein level. Using alternate nomenclature, this variant would be defined as BRCA2 1440delT. The normal sequence, with the base that is deleted in braces, is TAAA[T]GGAG. The deletion causes a frameshift, which changes an Asparagine to a Lysine at codon 404, and creates a premature stop codon at position 26 of the new reading frame. Although this variant has not, to our knowledge, been reported in the literature, it is predicted to cause loss of normal protein function through either protein truncation or nonsense-mediated mRNA decay. Based on the currently available information, we consider this deletion to be a pathogenic variant.

Consortium of Investigators of Modifiers of BRCA1/2 (CIMBA), c/o University of Cambridge
Classification: Pathogenic for Breast-ovarian cancer, familial, susceptibility to, 2. Last evaluated: 2015-10-02. Review status: criteria provided, single submitter. Criteria: CIMBA Mutation Classification guidelines May 2016. Collection method: clinical testing. Allele origin: germline. Not counted in ClinVar's aggregate classification.